The following is an entry in ClinVar:

NM_001854.4(COL11A1):c.1408G>C (p.Asp470His)

Gene: COL11A1 (collagen type XI alpha 1 chain; minus strand). Cytogenetic location: 1p21.1.
Variant type: single nucleotide variant.
Coding change: c.1408G>C on transcript NM_001854.4 (MANE Select); coding-DNA position 1408, G replaced by C.
Protein change: p.Asp470His; replaces aspartic acid 470 with histidine.
Molecular consequence: missense variant. On other transcripts: non-coding transcript variant (1).
Genome position (GRCh38, 1-based): chr1:103,017,825, C>G on the plus strand (G>C on the coding strand, the complement: COL11A1 is on the minus strand). VCF-style: chr1-103017825-C-G. GRCh37 (hg19) VCF-style: chr1-103483381-C-G.
Other names: c.1291G>C, p.Asp431His (NM_001190709.2); c.1444G>C, p.Asp482His (NM_080629.3); c.1060G>C, p.Asp354His (NM_080630.4); short protein forms D354H, D431H, D470H, D482H.
Identifiers: ClinVar variation 874959 (VCV000874959.11), dbSNP rs752749747, ClinGen allele CA974993.

ClinVar aggregate classification (germline): Conflicting classifications of pathogenicity. Review status: criteria provided, conflicting classifications (1 of 4 stars). 4 submissions from 3 submitters: Uncertain significance (3); Likely benign (1). Last evaluated 2026-01-12.

Conditions:
Fibrochondrogenesis 1 (FBCG1). Identifiers: Orphanet 2021, MedGen C3278138, MONDO:0009226, OMIM 228520.
Stickler syndrome type 2 (STL2). Also called: COL11A1-Related Stickler Syndrome; STICKLER SYNDROME, TYPE II; STICKLER SYNDROME, BEADED VITREOUS TYPE; STICKLER SYNDROME, VITREOUS TYPE 2. Identifiers: Orphanet 828, Orphanet 90654, MedGen C1858084, MONDO:0011493, OMIM 604841.

Allele frequency attached by ClinVar (database versions not stated): ExAC 0.00001; gnomAD 0.00003 and 0.00004; TOPMed 0.00004.
gnomAD v4.1: 92 of 1,612,526 alleles (0.0057%); highest among the groups gnomAD compares: Non-Finnish European, 0.0074%; no homozygotes.

Submissions (4):

Labcorp Genetics (formerly Invitae), Labcorp
Classification: Likely benign. Last evaluated: 2026-01-12. Review status: criteria provided, single submitter. Criteria: Invitae Variant Classification Sherloc (09022015). Collection method: clinical testing. Allele origin: germline.

GeneDx
Classification: Uncertain significance. Last evaluated: 2024-08-19. Review status: criteria provided, single submitter. Criteria: GeneDx Variant Classification Process June 2021. Collection method: clinical testing. Allele origin: germline. Affected: yes.
Comment: Not observed at significant frequency in large population cohorts (gnomAD); In silico analysis supports that this missense variant has a deleterious effect on protein structure/function; Also known as ASP431HIS; This variant is associated with the following publications: (PMID: 26566670)

Illumina Laboratory Services, Illumina
Classification: Uncertain significance for Stickler syndrome type 2. Last evaluated: 2018-01-13. Review status: criteria provided, single submitter. Criteria: ICSL Variant Classification Criteria 13 December 2019. Collection method: clinical testing. Allele origin: germline.

Illumina Laboratory Services, Illumina
Classification: Uncertain significance for Fibrochondrogenesis 1. Last evaluated: 2018-01-13. Review status: criteria provided, single submitter. Criteria: ICSL Variant Classification Criteria 13 December 2019. Collection method: clinical testing. Allele origin: germline.